The following is an entry in ClinVar:

ClinVar aggregate classification (germline): Uncertain significance. Review status: criteria provided, multiple submitters, no conflicts (2 of 4 stars). 2 submissions from 2 submitters: Uncertain significance (2). Last evaluated 2022-07-19.

Allele frequency attached by ClinVar (database versions not stated): gnomAD exomes below 0.00001 and 0.00001; ExAC 0.00001; gnomAD 0.00001; TOPMed 0.00002; 1000 Genomes Project 30x 0.00016; 1000 Genomes Project 0.00020.
gnomAD v4.1: 10 of 1,614,096 alleles (0.00062%); highest among the groups gnomAD compares: African/African-American, 0.0067%; no homozygotes.

Submissions (2):

Ambry Genetics
Classification: Uncertain significance. Last evaluated: 2022-07-19. Review status: criteria provided, single submitter. Criteria: Ambry Variant Classification Scheme 2023. Collection method: clinical testing. Allele origin: germline.

Labcorp Genetics (formerly Invitae), Labcorp
Classification: Uncertain significance. Last evaluated: 2022-07-06. Review status: criteria provided, single submitter. Criteria: Invitae Variant Classification Sherloc (09022015). Collection method: clinical testing. Allele origin: germline.
Comment: This sequence change replaces proline, which is neutral and non-polar, with leucine, which is neutral and non-polar, at codon 1038 of the SBF1 protein (p.Pro1038Leu). This variant is present in population databases (rs562437814, gnomAD 0.007%). This variant has not been reported in the literature in individuals affected with SBF1-related conditions. ClinVar contains an entry for this variant (Variation ID: 1433191). Algorithms developed to predict the effect of missense changes on protein structure and function (SIFT, PolyPhen-2, Align-GVGD) all suggest that this variant is likely to be tolerated. In summary, the available evidence is currently insufficient to determine the role of this variant in disease. Therefore, it has been classified as a Variant of Uncertain Significance.

NM_002972.4(SBF1):c.3113C>T (p.Pro1038Leu)

Gene: SBF1 (SET binding factor 1; minus strand). Cytogenetic location: 22q13.33.
Variant type: single nucleotide variant.
Coding change: c.3113C>T on transcript NM_002972.4 (MANE Select); coding-DNA position 3113, C replaced by T.
Protein change: p.Pro1038Leu; replaces proline 1038 with leucine.
Molecular consequence: missense variant.
Genome position (GRCh38, 1-based): chr22:50,460,567, G>A on the plus strand (C>T on the coding strand, the complement: SBF1 is on the minus strand). VCF-style: chr22-50460567-G-A. GRCh37 (hg19) VCF-style: chr22-50898996-G-A.
Other names: c.3116C>T, p.Pro1039Leu (NM_001365819.1); c.3113C>T (NM_002972.2); short protein forms P1039L, P1038L.
Identifiers: ClinVar variation 1433191 (VCV001433191.4), dbSNP rs562437814, ClinGen allele CA10316884.
Genomic context (GRCh38, chr22:50,460,567, plus strand): 5'-TGCCCTGCCTGGGACCCAGATCCATACCTGAGGGAAGGACCCTTGTCCTTGGTGACTCGC[G>A]GTGGCCGGCCAGGTGTGTGGGCAGAGCCCAAGGTGAACGCAAAGGTGGCCCTGATGTCCG-3'
Protein context (NP_002963.2, residues 1028-1048): LGSAHTPGRP[Pro1038Leu]RVTKDKGPSL